The following is an entry in ClinVar:

NM_005051.3(QARS1):c.1398C>G (p.Ser466=)

Gene: QARS1 (glutaminyl-tRNA synthetase 1; minus strand). Cytogenetic location: 3p21.31.
Variant type: single nucleotide variant.
Coding change: c.1398C>G on transcript NM_005051.3 (MANE Select); coding-DNA position 1398, C replaced by G.
Protein change: p.Ser466=; no amino-acid change (serine 466 retained).
Molecular consequence: synonymous variant. On other transcripts: non-coding transcript variant (1).
Genome position (GRCh38, 1-based): chr3:49,099,638, G>C on the plus strand (C>G on the coding strand, the complement: QARS1 is on the minus strand). VCF-style: chr3-49099638-G-C. GRCh37 (hg19) VCF-style: chr3-49137071-G-C.
Other names: c.1365C>G, p.Ser455= (NM_001272073.2).
Identifiers: ClinVar variation 507451 (VCV000507451.8), dbSNP rs370978363, ClinGen allele CA74473447.

ClinVar aggregate classification (germline): Likely benign. Review status: criteria provided, multiple submitters, no conflicts (2 of 4 stars). 2 submissions from 2 submitters: Likely benign (2). Last evaluated 2025-02-20.

Conditions:
Diffuse cerebral and cerebellar atrophy - intractable seizures - progressive microcephaly syndrome. Also called: Microcephaly, progressive, with seizures and cerebral and cerebellar atrophy. Identifiers: Orphanet 404437, MedGen C4014239, MONDO:0014335, OMIM 615760.

Allele frequency attached by ClinVar (database versions not stated): gnomAD 0.00001; gnomAD exomes 0.00001; TOPMed 0.00002; ESP Exome Variant Server 0.00008.
gnomAD v4.1: 9 of 1,614,042 alleles (0.00056%); highest among the groups gnomAD compares: Non-Finnish European, 0.00076%; no homozygotes.

Submissions (2):

Labcorp Genetics (formerly Invitae), Labcorp
Classification: Likely benign for Diffuse cerebral and cerebellar atrophy - intractable seizures - progressive microcephaly syndrome. Last evaluated: 2025-02-20. Review status: criteria provided, single submitter. Criteria: Invitae Variant Classification Sherloc (09022015). Collection method: clinical testing. Allele origin: germline.

GeneDx
Classification: Likely benign. Last evaluated: 2017-02-20. Review status: criteria provided, single submitter. Criteria: GeneDx Variant Classification (06012015). Collection method: clinical testing. Allele origin: germline. Affected: yes.
Comment: This variant is considered likely benign or benign based on one or more of the following criteria: it is a conservative change, it occurs at a poorly conserved position in the protein, it is predicted to be benign by multiple in silico algorithms, and/or has population frequency not consistent with disease.